The following is an entry in ClinVar:

ClinVar aggregate classification (germline): Uncertain significance. Review status: criteria provided, multiple submitters, no conflicts (2 of 4 stars). 2 submissions from 2 submitters: Uncertain significance (2). Last evaluated 2025-09-30.

Conditions:
Hereditary cancer-predisposing syndrome. Also called: Hereditary Cancer Syndrome; Hereditary neoplastic syndrome; Neoplastic Syndromes, Hereditary; Tumor predisposition. Identifiers: Orphanet 140162, MedGen C0027672, MeSH D009386, MONDO:0015356.
Ataxia-telangiectasia syndrome (AT). Also called: Ataxia-telangiectasia, complementation group D; Ataxia telangiectasia (A-T); ATAXIA-TELANGIECTASIA, COMPLEMENTATION GROUP A; LOUIS-BAR SYNDROME; Cerebello-oculocutaneous telangiectasia; Immunodeficiency with ataxia telangiectasia. Identifiers: Orphanet 100, MedGen C0004135, MONDO:0008840, OMIM 208900.

Submissions (2):

Ambry Genetics
Classification: Uncertain significance for Hereditary cancer-predisposing syndrome. Last evaluated: 2025-09-30. Review status: criteria provided, single submitter. Criteria: Ambry Variant Classification Scheme 2023. Collection method: clinical testing. Allele origin: germline.
Comment: The p.S478L variant (also known as c.1433C>T), located in coding exon 9 of the ATM gene, results from a C to T substitution at nucleotide position 1433. The serine at codon 478 is replaced by leucine, an amino acid with dissimilar properties. This amino acid position is not well conserved in available vertebrate species. In addition, this alteration is predicted to be tolerated by in silico analysis. Based on the available evidence, the clinical significance of this variant remains unclear.

Labcorp Genetics (formerly Invitae), Labcorp
Classification: Uncertain significance for Ataxia-telangiectasia syndrome. Last evaluated: 2024-09-02. Review status: criteria provided, single submitter. Criteria: Invitae Variant Classification Sherloc (09022015). Collection method: clinical testing. Allele origin: germline.
Comment: This sequence change replaces serine, which is neutral and polar, with leucine, which is neutral and non-polar, at codon 478 of the ATM protein (p.Ser478Leu). This variant is not present in population databases (gnomAD no frequency). This variant has not been reported in the literature in individuals affected with ATM-related conditions. ClinVar contains an entry for this variant (Variation ID: 1721693). An algorithm developed to predict the effect of missense changes on protein structure and function (PolyPhen-2) suggests that this variant is likely to be tolerated. In summary, the available evidence is currently insufficient to determine the role of this variant in disease. Therefore, it has been classified as a Variant of Uncertain Significance.

NM_000051.4(ATM):c.1433C>T (p.Ser478Leu)

Gene: ATM (ATM serine/threonine kinase; plus strand). Cytogenetic location: 11q22.3.
Variant type: single nucleotide variant.
Coding change: c.1433C>T on transcript NM_000051.4 (MANE Select); coding-DNA position 1433, C replaced by T.
Protein change: p.Ser478Leu; replaces serine 478 with leucine.
Molecular consequence: missense variant.
Genome position (GRCh38, 1-based): chr11:108,250,898, C>T. VCF-style: chr11-108250898-C-T. GRCh37 (hg19) VCF-style: chr11-108121625-C-T.
Other names: c.1433C>T, p.Ser478Leu (NM_001351834.2); short protein forms S478L.
Identifiers: ClinVar variation 1721693 (VCV001721693.6), dbSNP rs2080106350, ClinGen allele CA382534054.